The following is an entry in ClinVar:

NM_004239.4(TRIP11):c.*1374A>C

Gene: TRIP11 (thyroid hormone receptor interactor 11; minus strand). Cytogenetic location: 14q32.12.
Variant type: single nucleotide variant.
Coding change: c.*1374A>C on transcript NM_004239.4 (MANE Select); 1374 bases downstream of the stop codon, A replaced by C.
Molecular consequence: 3 prime UTR variant.
Genome position (GRCh38, 1-based): chr14:91,968,299, T>G on the plus strand (A>C on the coding strand, the complement: TRIP11 is on the minus strand). VCF-style: chr14-91968299-T-G. GRCh37 (hg19) VCF-style: chr14-92434643-T-G.
Other names: c.*1374A>C (NM_001321851.1).
Identifiers: ClinVar variation 314896 (VCV000314896.5), dbSNP rs74801826, ClinGen allele CA10641295.

ClinVar aggregate classification (germline): Benign (1 of 4 stars; one submission).

Conditions:
Achondrogenesis, type IA (ACG1A). Identifiers: Orphanet 932, Orphanet 93299, MedGen C0265273, MONDO:0008701, OMIM 200600.

Allele frequency attached by ClinVar (database versions not stated): TOPMed 0.01475; gnomAD 0.02226; gnomAD exomes 0.03184; 1000 Genomes Project 30x 0.03763; 1000 Genomes Project 0.03994.

Submission:

Illumina Laboratory Services, Illumina
Classification: Benign for Achondrogenesis, type IA. Last evaluated: 2018-01-12. Review status: criteria provided, single submitter. Criteria: ICSL Variant Classification Criteria 13 December 2019. Collection method: clinical testing. Allele origin: germline.
Comment: This variant was observed in the ICSL laboratory as part of a predisposition screen in an ostensibly healthy population. It had not been previously curated by ICSL or reported in the Human Gene Mutation Database (HGMD: prior to June 1st, 2018), and was therefore a candidate for classification through an automated scoring system. Utilizing variant allele frequency, disease prevalence and penetrance estimates, and inheritance mode, an automated score was calculated to assess if this variant is too frequent to cause the disease. Based on the score and internal cut-off values, a variant classified as benign is not then subjected to further curation. The score for this variant resulted in a classification of benign for this disease.